The following is an entry in ClinVar:

ClinVar aggregate classification (germline): Pathogenic (0 of 4 stars; one submission).

Submission:

Quest Diagnostics Nichols Institute San Juan Capistrano
Classification: Pathogenic. Last evaluated: 2020-09-08. Review status: no assertion criteria provided. Collection method: clinical testing. Allele origin: germline.
Comment: The copy number gain at Xp11.22p11.21 encompasses the region of the Xp11.22 duplication syndrome (OMIM 300705), which is featured with mild to moderate intellectual disability (ID), speech delays, failure to thrive, developmental delay, and facial dysmorphism. Both affected males and females have been reported. Increased dosage of HUWE1 (OMIM 300697) is reported to be responsible for the phenotype (Grams et al. Am J Med Genet A. 2016 Apr;170A(4):967-77. PMID: 26692240; Santos-Rebouas et al. J Hum Genet. 2015 Apr;60(4):207-11. PMID: 25652354; Froyen et al Am J Hum Genet. 2012 Aug 10; 91(2): 252-264. PMID: 22840365). Gains involving IQSEC2 are also suggested to cause ID and hyperactivity disorders and are likely to be dosage-sensitive in males (Moey et al., Eur J Hum Genet. 2016 Mar;24(3):373-80. PMID: 26059843). Further, hemizygous missense or in-frame variant of SMC1A (OMIM 300040) is associated with X-linked dominant Cornelia de Lange syndrome-2 (OMIM 300590). A single publication identified a de novo 127 kb gain of SMC1A in an individual with atrioventricular septal defect (Xu et al., Int J Clin Exp Pathol. 2018 Jul 1;11(7):3732-3743. eCollection 2018. PMID: 31949757). Additionally, there are other genes within this gain interval that have OMIM-annotated phenotype: KDM5C (OMIM 300534), ALAS2 (OMIM 300751 and 300752), MAGED2 (OMIM 300971), FGD1 (OMIM 305400), PHF8 (OMIM 300263), and KDM5C (OMIM 300534).

GRCh37/hg19 Xp11.22-11.21(chrX:52901458-55684871)x2

Genes: ALAS2 (5'-aminolevulinate synthase 2; minus strand), APEX2 (apurinic/apyrimidinic endodeoxyribonuclease 2; plus strand), FAM104B (family with sequence similarity 104 member B; minus strand), FAM120C (family with sequence similarity 120C; minus strand), FAM156A (family with sequence similarity 156 member A; minus strand) and 29 more. Cytogenetic location: Xp11.22-11.21.
Variant type: copy number gain.
Change: copy number 2 of chrX:52,901,458-55,684,871 (2.78 Mb, GRCh37 coordinates, 1-based), cytogenetic band Xp11.22-11.21.
Identifiers: ClinVar variation 1340693 (VCV001340693.1).